The following is an entry in ClinVar:

ClinVar aggregate classification (germline): Benign (0 of 4 stars; one submission).

Conditions:
GPBAR1-related disorder. Also called: GPBAR1-related condition.

Allele frequency attached by ClinVar (database versions not stated): 1000 Genomes Project 0.02436; 1000 Genomes Project 30x 0.02436; ESP Exome Variant Server 0.02743; gnomAD exomes 0.02944; gnomAD 0.02983; TOPMed 0.03012; ExAC 0.03202.
gnomAD v4.1: 47,017 of 1,597,904 alleles (2.9%); highest among the groups gnomAD compares: Middle Eastern, 4%; 799 homozygotes.

Submission:

PreventionGenetics, part of Exact Sciences
Classification: Benign for GPBAR1-related condition. Last evaluated: 2021-04-20. Review status: no assertion criteria provided. Collection method: clinical testing. Allele origin: germline.
Comment: This variant is classified as benign based on ACMG/AMP sequence variant interpretation guidelines (Richards et al. 2015 PMID: 25741868, with internal and published modifications).

NM_170699.3(GPBAR1):c.648G>C (p.Arg216=)

Gene: GPBAR1 (G protein-coupled bile acid receptor 1; plus strand). Cytogenetic location: 2q35.
Variant type: single nucleotide variant.
Coding change: c.648G>C on transcript NM_170699.3 (MANE Select); coding-DNA position 648, G replaced by C.
Protein change: p.Arg216=; no amino-acid change (arginine 216 retained).
Molecular consequence: synonymous variant.
Genome position (GRCh38, 1-based): chr2:218,263,372, G>C. VCF-style: chr2-218263372-G-C. GRCh37 (hg19) VCF-style: chr2-219128095-G-C.
Other names: c.648G>C, p.Arg216= (NM_001077194.2, NM_001321950.2, NM_001077191.2).
Identifiers: ClinVar variation 3056324 (VCV003056324.2), dbSNP rs116219220, ClinGen allele CA2102649.